The following is an entry in ClinVar:

ClinVar aggregate classification (germline): Likely pathogenic. Review status: reviewed by expert panel (3 of 4 stars). 19 submissions from 19 submitters: Likely pathogenic (1). 18 of the submissions do not count toward it. Last evaluated 2019-06-21.

Conditions:
MSH6-related disorder. Also called: MSH6-related condition; MSH6-Related disorders.
Hereditary nonpolyposis colon cancer (HNPCC). Also called: Familial nonpolyposis colon cancer; Hereditary nonpolyposis colorectal cancer; Hereditary Nonpolyposis Colorectal Cancer Syndrome. Identifiers: Orphanet 443909, MedGen C1333990, MONDO:0018630. Disease mechanism: loss of function.
Hereditary nonpolyposis colorectal neoplasms. Identifiers: MedGen C0009405, MeSH D003123.
Breast and/or ovarian cancer. Identifiers: MedGen CN221562.
Hereditary cancer-predisposing syndrome. Also called: Hereditary Cancer Syndrome; Tumor predisposition; Neoplastic Syndromes, Hereditary; Hereditary neoplastic syndrome. Identifiers: Orphanet 140162, MedGen C0027672, MeSH D009386, MONDO:0015356.
Lynch syndrome. Identifiers: Orphanet 144, MedGen C4552100, MONDO:0005835. Disease mechanism: loss of function.
Lynch syndrome 5 (LYNCH5). Also called: Hereditary non-polyposis colorectal cancer, type 5; Colorectal cancer, hereditary nonpolyposis, type 5. Identifiers: Orphanet 144, MedGen C1833477, MONDO:0013710, OMIM 614350. Disease mechanism: loss of function.
Carcinoma of colon (CRC). Also called: Colonic carcinoma; Colon carcinoma. Identifiers: MedGen C0699790, MONDO:0002032.
Endometrial carcinoma. Also called: Endometrial carcinoma, somatic. Identifiers: MedGen C0476089, MONDO:0002447, OMIM 608089, HP:0012114.

Allele frequency attached by ClinVar (database versions not stated): gnomAD exomes below 0.00001.
gnomAD v4.1: 2 of 1,612,010 alleles (0.00012%); highest among the groups gnomAD compares: Non-Finnish European, 0.00017%; no homozygotes.

Submissions 1 to 8 of 19:

International Society for Gastrointestinal Hereditary Tumours (InSiGHT)
Classification: Likely pathogenic for Lynch syndrome. Last evaluated: 2019-06-21. Review status: reviewed by expert panel. Criteria: Guidelines v2.4. Collection method: curation. Allele origin: germline. Affected: yes.
Comment: Interrupts canonical donor splice site

Labcorp Genetics (formerly Invitae), Labcorp
Classification: Pathogenic for Hereditary nonpolyposis colorectal neoplasms. Last evaluated: 2025-12-22. Review status: criteria provided, single submitter. Criteria: Invitae Variant Classification Sherloc (09022015). Collection method: clinical testing. Allele origin: germline. Not counted in ClinVar's aggregate classification.
Comment: This sequence change affects an acceptor splice site in intron 5 of the MSH6 gene. RNA analysis indicates that disruption of this splice site induces altered splicing and may result in an absent or altered protein product. This variant is not present in population databases (gnomAD no frequency). Disruption of this splice site has been observed in individuals with clinical features of Lynch syndrome (PMID: 10537275, 20028993, 25980754; internal data). Invitae Evidence Modeling of clinical and family history, age, sex, and reported ancestry of multiple individuals with this MSH6 variant has been performed. This variant is expected to be pathogenic with a positive predictive value of at least 99%. This is a validated machine learning model that incorporates the clinical features of 1,627,235 individuals referred to our laboratory for MSH6 testing. This variant is also known as IVS5-2A>G. ClinVar contains an entry for this variant (Variation ID: 89391). Studies have shown that disruption of this splice site results in exon 6 skipping, and produces a non-functional protein and/or introduces a premature termination codon (internal data). For these reasons, this variant has been classified as Pathogenic.

Ambry Genetics
Classification: Pathogenic for Hereditary cancer-predisposing syndrome. Last evaluated: 2025-12-19. Review status: criteria provided, single submitter. Criteria: Ambry Variant Classification Scheme 2023. Collection method: clinical testing. Allele origin: germline. Not counted in ClinVar's aggregate classification.
Comment: The c.3439-2A>G intronic pathogenic mutation results from an A to G substitution two nucleotides before coding exon 6 in the MSH6 gene. This variant was reported in individuals who met Amsterdam I/II criteria with features consistent with Lynch syndrome (Kolodner RD et al. Cancer Res, 1999 Oct;59:5068-74; Yurgelun MB et al. Gastroenterology, 2015 Sep;149:604-13.e20; Long B et al. Gynecol Oncol, 2019 01;152:20-25; Ambry internal data). This alteration was predicted to cause skipping of coding exon 6, which resulted in complete loss of MSH6 function in yeast (Kolodner RD et al. Cancer Res, 1999 Oct;59:5068-74). This variant is considered to be rare based on population cohorts in the Genome Aggregation Database (gnomAD). In silico splice site analysis predicts that this alteration will weaken the native splice acceptor site. RNA studies have demonstrated this alteration results in abnormal splicing in the set of samples tested (Ambry internal data). Alterations that disrupt the canonical splice site are expected to cause aberrant splicing, resulting in an abnormal protein or a transcript that is subject to nonsense-mediated mRNA decay. As such, this alteration is classified as a disease-causing mutation.

PreventionGenetics, part of Exact Sciences
Classification: Pathogenic for MSH6-related condition. Last evaluated: 2025-11-14. Review status: criteria provided, single submitter. Criteria: ACMG Guidelines, 2015. Collection method: clinical testing. Allele origin: germline. Not counted in ClinVar's aggregate classification.
Comment: The MSH6 c.3439-2A>G variant is predicted to disrupt the AG splice acceptor site and interfere with normal splicing. This variant has been reported in multiple individuals with Lynch syndrome cancers (Table 3 - IVS5-2A>G - Kolodner et al. 1999. PubMed ID: 10537275; Baglietto et al. 2010. PubMed ID: 20028993; Yurgelun et al. 2015. PubMed ID: 25980754). This variant is not present in the gnomAD population database and has been interpreted by multiple labs as likely pathogenic/pathogenic (Variation ID: 89391). Variants that disrupt the consensus splice acceptor site in MSH6 are expected to be pathogenic. This variant is interpreted as pathogenic.

Mayo Clinic Laboratories, Mayo Clinic
Classification: Pathogenic. Last evaluated: 2025-06-30. Review status: criteria provided, single submitter. Criteria: ACMG Guidelines, 2015. Collection method: clinical testing. Allele origin: germline. Observed: 3 variant alleles. Not counted in ClinVar's aggregate classification.
Comment: PP4, PM2_supporting, PVS1

All of Us Research Program, National Institutes of Health
Classification: Pathogenic for Lynch syndrome. Last evaluated: 2024-04-25. Review status: criteria provided, single submitter. Criteria: ACMG Guidelines, 2015. Collection method: clinical testing. Allele origin: germline. Inheritance: Autosomal dominant inheritance. Observed: 5 variant alleles, 5 heterozygotes. Not counted in ClinVar's aggregate classification.
Comment: This variant causes an A to G nucleotide substitution at the -2 position of intron 5 of the MSH6 gene. An RNA functional study using RNA derived from a carrier individual has reported that this variant causes out-of-frame skipping of exon 6 (PMID: 22949379). The variant has been reported to have a splicing impact by external laboratories (ClinVar: SCV000253678.11, SCV000185356.9). This variant is expected to result in an absent or non-functional protein product. This variant has been observed in individuals affected with or suspected of having Lynch syndrome (PMID: 10537275, 25980754), colorectal cancer (PMID: 20028993), endometrial cancer (PMID: 29345684, 30612635), ovarian cancer (PMID: 30128536), and breast cancer (PMID: 30128536). This variant has not been identified in the general population by the Genome Aggregation Database (gnomAD). Loss of MSH6 function is a known mechanism of disease. Based on the available evidence, this variant is classified as Pathogenic.

This study involves interpretation of variants in research participants for the purpose of population health screening. Participant phenotype was not available at the time of variant classification. Additional details can be found in publication PMID: 35346344, PMCID: PMC8962531

ARUP Laboratories, Molecular Genetics and Genomics, ARUP Laboratories
Classification: Pathogenic. Last evaluated: 2024-03-07. Review status: criteria provided, single submitter. Criteria: ARUP Molecular Germline Variant Investigation Process 2024. Collection method: clinical testing. Allele origin: germline. Not counted in ClinVar's aggregate classification.
Comment: The MSH6 c.3439-2A>G variant (rs267608098), also known as IVS5-2A>G, has been described in the literature in individuals with colorectal cancer and families with Lynch syndrome (Baglietto 2010, Kolodner 1999, South 2009, Yurgelun 2015). It is reported as pathogenic by several laboratories in ClinVar (Variation ID: 89391) and is absent from the Genome Aggregation Database (v2.1.1), indicating it is not a common polymorphism. This variant abolishes the canonical splice acceptor site of intron 5, which is likely to disrupt gene function. Based on available information, this variant is considered pathogenic. References: Baglietto L et al. Risks of Lynch syndrome cancers for MSH6 mutation carriers. J Natl Cancer Inst. 2010;102(3):193-201. PMID: 20028993. Kolodner RD et al. Germ-line msh6 mutations in colorectal cancer families. Cancer Res. 1999;59(20):5068-74. PMID: 10537275. South CD et al. Immunohistochemistry staining for the mismatch repair proteins in the clinical care of patients with colorectal cancer. Genet Med. 2009;11(11):812-7. PMID: 19752738. Yurgelun MB et al. Identification of a Variety of Mutations in Cancer Predisposition Genes in Patients With Suspected Lynch Syndrome. Gastroenterology. 2015 Sep;149(3):604-13.e20. PMID: 25980754.

Baylor Genetics
Classification: Pathogenic for Endometrial carcinoma. Last evaluated: 2024-02-15. Review status: criteria provided, single submitter. Criteria: ACMG Guidelines, 2015. Collection method: clinical testing. Allele origin: unknown. Study: CSER-TexasKidsCanSeq. Not counted in ClinVar's aggregate classification.

NM_000179.3(MSH6):c.3439-2A>G

Gene: MSH6 (mutS homolog 6; plus strand). Cytogenetic location: 2p16.3.
Variant type: single nucleotide variant.
Coding change: c.3439-2A>G on transcript NM_000179.3 (MANE Select); the canonical splice acceptor site of the intron before coding-DNA position 3439, A replaced by G.
Molecular consequence: splice acceptor variant.
Genome position (GRCh38, 1-based): chr2:47,804,908, A>G. VCF-style: chr2-47804908-A-G. GRCh37 (hg19) VCF-style: chr2-48032047-A-G.
Other names: c.3271-2A>G (NM_001406826.1); c.3142-2A>G (NM_001406825.1, NM_001406819.1, NM_001406822.1 and 10 more transcripts); c.2533-2A>G (NM_001406829.1, NM_001406823.1, NM_001281494.2 and 6 more transcripts); c.286-2A>G (NM_001406832.1); c.220-2A>G (NM_001406831.1); c.3439-2A>G (NM_001406809.1, NM_001406796.1, NM_001406808.1 and 1 more transcripts); c.3535-2A>G (NM_001406795.1, NM_001406802.1); c.3445-2A>G (NM_001406813.1); and 7 more.
Identifiers: ClinVar variation 89391 (VCV000089391.61), dbSNP rs267608098, ClinGen allele CA012917.